The following is an entry in ClinVar:

ClinVar aggregate classification (germline): Uncertain significance (1 of 4 stars; one submission).

Submission:

Labcorp Genetics (formerly Invitae), Labcorp
Classification: Uncertain significance. Last evaluated: 2024-05-09. Review status: criteria provided, single submitter. Criteria: Invitae Variant Classification Sherloc (09022015). Collection method: clinical testing. Allele origin: germline.
Comment: This sequence change replaces glycine, which is neutral and non-polar, with arginine, which is basic and polar, at codon 1275 of the TET2 protein (p.Gly1275Arg). This variant is present in population databases (no rsID available, gnomAD 0.002%). This variant has not been reported in the literature in individuals affected with TET2-related conditions. An algorithm developed to predict the effect of missense changes on protein structure and function (PolyPhen-2) suggests that this variant is likely to be disruptive. In summary, the available evidence is currently insufficient to determine the role of this variant in disease. Therefore, it has been classified as a Variant of Uncertain Significance.

NM_001127208.3(TET2):c.3823G>A (p.Gly1275Arg)

Genes: TET2 (tet methylcytosine dioxygenase 2; plus strand), TET2-AS1 (TET2 antisense RNA 1; minus strand). Cytogenetic location: 4q24.
Variant type: single nucleotide variant.
Coding change: c.3823G>A on transcript NM_001127208.3 (MANE Select); coding-DNA position 3823, G replaced by A.
Protein change: p.Gly1275Arg; replaces glycine 1275 with arginine.
Molecular consequence: missense variant.
Genome position (GRCh38, 1-based): chr4:105,259,638, G>A. VCF-style: chr4-105259638-G-A. GRCh37 (hg19) VCF-style: chr4-106180795-G-A.
Other names: short protein forms G1275R.
Identifiers: ClinVar variation 3672934 (VCV003672934.2).